The following is an entry in ClinVar:

NM_001130144.3(LTBP3):c.3779A>C (p.Glu1260Ala)

Gene: LTBP3 (latent transforming growth factor beta binding protein 3; minus strand). Cytogenetic location: 11q13.1.
Variant type: single nucleotide variant.
Coding change: c.3779A>C on transcript NM_001130144.3 (MANE Select); coding-DNA position 3779, A replaced by C.
Protein change: p.Glu1260Ala; replaces glutamic acid 1260 with alanine.
Molecular consequence: missense variant.
Genome position (GRCh38, 1-based): chr11:65,539,213, T>G on the plus strand (A>C on the coding strand, the complement: LTBP3 is on the minus strand). VCF-style: chr11-65539213-T-G. GRCh37 (hg19) VCF-style: chr11-65306684-T-G.
Other names: c.3287A>C, p.Glu1096Ala (NM_001164266.1); c.3638A>C, p.Glu1213Ala (NM_021070.4); short protein forms E1096A, E1213A, E1260A.
Identifiers: ClinVar variation 3384784 (VCV003384784.2).

ClinVar aggregate classification (germline): Uncertain significance (1 of 4 stars; one submission).

gnomAD v4.1: 2 of 1,526,702 alleles (0.00013%); highest among the groups gnomAD compares: Non-Finnish European, 0.00018%; no homozygotes.

Submission:

Women's Health and Genetics/Laboratory Corporation of America, LabCorp
Classification: Uncertain significance. Last evaluated: 2025-12-19. Review status: criteria provided, single submitter. Criteria: LabCorp Variant Classification Summary - May 2015. Collection method: clinical testing. Allele origin: germline.
Comment: Variant summary: LTBP3 c.3779A>C (p.Glu1260Ala) results in a non-conservative amino acid change located in the EGF like domain of the encoded protein sequence. Algorithms developed to predict the effect of missense changes on protein structure and function are either unavailable or do not agree on the potential impact of this missense change. The frequency data for this variant in gnomAD is considered unreliable, as metrics indicate poor data quality at this position. To our knowledge, no occurrence of c.3779A>C in individuals affected with LTBP3-related conditions and no experimental evidence demonstrating its impact on protein function have been reported. ClinVar contains an entry for this variant (Variation ID: 3384784). Based on the evidence outlined above, the variant was classified as uncertain significance.